The following is an entry in ClinVar:

NM_018896.5(CACNA1G):c.3690+4A>G

Gene: CACNA1G (calcium voltage-gated channel subunit alpha1 G; plus strand). Cytogenetic location: 17q21.33.
Variant type: single nucleotide variant.
Coding change: c.3690+4A>G on transcript NM_018896.5 (MANE Select); 4 bases into the intron after coding-DNA position 3690, A replaced by G.
Molecular consequence: intron variant.
Genome position (GRCh38, 1-based): chr17:50,599,863, A>G. VCF-style: chr17-50599863-A-G. GRCh37 (hg19) VCF-style: chr17-48677224-A-G.
Other names: c.3690+4A>G (NM_001256325.2, NM_198377.3, NM_198380.3 and 16 more transcripts); c.3621+4A>G (NM_198396.3, NM_198379.3, NM_198387.3 and 5 more transcripts).
Identifiers: ClinVar variation 3777498 (VCV003777498.1).
Genomic context (GRCh38, chr17:50,599,863, plus strand): 5'-CTGCGGCCTGATGACCCCCCACTGGATGGGGATGACGCCGATGACGAGGGCAACCTGGTG[A>G]GGCCCCTGTGGGCACAGTGACCCCTCACCCCTGACCTTGAAAGAGGGGAGGTGTGCCTGG-3'

ClinVar aggregate classification (germline): Uncertain significance (1 of 4 stars; one submission).

Submission:

GeneDx
Classification: Uncertain significance. Last evaluated: 2024-10-14. Review status: criteria provided, single submitter. Criteria: GeneDx Variant Classification Process June 2021. Collection method: clinical testing. Allele origin: germline. Affected: yes.
Comment: Not observed at significant frequency in large population cohorts (gnomAD); Has not been previously published as pathogenic or benign to our knowledge; In silico analysis is inconclusive as to whether the variant alters gene splicing. In the absence of RNA/functional studies, the actual effect of this sequence change is unknown.